The following is an entry in ClinVar:

NM_172107.4(KCNQ2):c.1843G>A (p.Glu615Lys)

Gene: KCNQ2 (potassium voltage-gated channel subfamily Q member 2; minus strand). Cytogenetic location: 20q13.33.
Variant type: single nucleotide variant.
Coding change: c.1843G>A on transcript NM_172107.4 (MANE Select); coding-DNA position 1843, G replaced by A.
Protein change: p.Glu615Lys; replaces glutamic acid 615 with lysine.
Molecular consequence: missense variant.
Genome position (GRCh38, 1-based): chr20:63,408,457, C>T on the plus strand (G>A on the coding strand, the complement: KCNQ2 is on the minus strand). VCF-style: chr20-63408457-C-T. GRCh37 (hg19) VCF-style: chr20-62039810-C-T.
Other names: c.1897G>A, p.Glu633Lys (NM_001382235.1); c.1759G>A, p.Glu587Lys (NM_004518.6); c.1789G>A, p.Glu597Lys (NM_172106.3); c.1750G>A, p.Glu584Lys (NM_172108.5); c.1843G>A (NM_172107.2); short protein forms E587K, E597K, E615K, E584K, E633K.
Identifiers: ClinVar variation 1372337 (VCV001372337.8), dbSNP rs1489723565, ClinGen allele CA409640295.

ClinVar aggregate classification (germline): Uncertain significance. Review status: criteria provided, multiple submitters, no conflicts (2 of 4 stars). 2 submissions from 2 submitters: Uncertain significance (2). Last evaluated 2026-03-12.

Conditions:
Early-infantile DEE. Also called: Early infantile epileptic encephalopathy; Ohtahara syndrome; Early infantile epileptic encephalopathy with suppression bursts. Identifiers: Orphanet 1934, MedGen C0393706, MONDO:0800491.
Inborn genetic diseases. Identifiers: MedGen C0950123, MeSH D030342.

Allele frequency attached by ClinVar (database versions not stated): TOPMed below 0.00001.

Submissions (2):

Ambry Genetics
Classification: Uncertain significance for Inborn genetic diseases. Last evaluated: 2026-03-12. Review status: criteria provided, single submitter. Criteria: Ambry Variant Classification Scheme 2023. Collection method: clinical testing. Allele origin: germline.

Labcorp Genetics (formerly Invitae), Labcorp
Classification: Uncertain significance for Early-infantile DEE. Last evaluated: 2024-02-22. Review status: criteria provided, single submitter. Criteria: Invitae Variant Classification Sherloc (09022015). Collection method: clinical testing. Allele origin: germline.
Comment: This sequence change replaces glutamic acid, which is acidic and polar, with lysine, which is basic and polar, at codon 615 of the KCNQ2 protein (p.Glu615Lys). This variant is not present in population databases (gnomAD no frequency). This variant has not been reported in the literature in individuals affected with KCNQ2-related conditions. ClinVar contains an entry for this variant (Variation ID: 1372337). An algorithm developed to predict the effect of missense changes on protein structure and function (PolyPhen-2) suggests that this variant is likely to be disruptive. In summary, the available evidence is currently insufficient to determine the role of this variant in disease. Therefore, it has been classified as a Variant of Uncertain Significance.